The following is an entry in ClinVar:

NM_032802.4(SPPL2A):c.845G>A (p.Gly282Asp)

Gene: SPPL2A (signal peptide peptidase like 2A; minus strand). Cytogenetic location: 15q21.2.
Variant type: single nucleotide variant.
Coding change: c.845G>A on transcript NM_032802.4 (MANE Select); coding-DNA position 845, G replaced by A.
Protein change: p.Gly282Asp; replaces glycine 282 with aspartic acid.
Molecular consequence: missense variant.
Genome position (GRCh38, 1-based): chr15:50,736,188, C>T on the plus strand (G>A on the coding strand, the complement: SPPL2A is on the minus strand). VCF-style: chr15-50736188-C-T. GRCh37 (hg19) VCF-style: chr15-51028385-C-T.
Other names: short protein forms G282D.
Identifiers: ClinVar variation 2824427 (VCV002824427.3), dbSNP rs868161851, ClinGen allele CA270512647.

ClinVar aggregate classification (germline): Uncertain significance (1 of 4 stars; one submission).

Submission:

Labcorp Genetics (formerly Invitae), Labcorp
Classification: Uncertain significance. Last evaluated: 2022-12-26. Review status: criteria provided, single submitter. Criteria: Invitae Variant Classification Sherloc (09022015). Collection method: clinical testing. Allele origin: germline.
Comment: In summary, the available evidence is currently insufficient to determine the role of this variant in disease. Therefore, it has been classified as a Variant of Uncertain Significance. Algorithms developed to predict the effect of missense changes on protein structure and function output the following: SIFT: "Tolerated"; PolyPhen-2: "Benign"; Align-GVGD: "Class C0". The aspartic acid amino acid residue is found in multiple mammalian species, which suggests that this missense change does not adversely affect protein function. This variant has not been reported in the literature in individuals affected with SPPL2A-related conditions. This variant is not present in population databases (gnomAD no frequency). This sequence change replaces glycine, which is neutral and non-polar, with aspartic acid, which is acidic and polar, at codon 282 of the SPPL2A protein (p.Gly282Asp).